The following is an entry in ClinVar:

NM_015909.4(NBAS):c.1502G>A (p.Arg501Gln)

Gene: NBAS (NBAS subunit of NRZ tethering complex; minus strand). Cytogenetic location: 2p24.3.
Variant type: single nucleotide variant.
Coding change: c.1502G>A on transcript NM_015909.4 (MANE Select); coding-DNA position 1502, G replaced by A.
Protein change: p.Arg501Gln; replaces arginine 501 with glutamine.
Molecular consequence: missense variant. On other transcripts: non-coding transcript variant (1).
Genome position (GRCh38, 1-based): chr2:15,474,164, C>T on the plus strand (G>A on the coding strand, the complement: NBAS is on the minus strand). VCF-style: chr2-15474164-C-T. GRCh37 (hg19) VCF-style: chr2-15614288-C-T.
Other names: c.1502G>A (NM_015909.2); short protein forms R501Q.
Identifiers: ClinVar variation 2787777 (VCV002787777.2), dbSNP rs377037220, ClinGen allele CA1536669.
Genomic context (GRCh38, chr2:15,474,164, plus strand): 5'-AAACTCACAAGGCGGTAGTTTTTAGTAATGGTTCGTGGGCGTTTCCGTGGTGGTGCAAAT[C>T]GCTCCATTTCAGTCACCAAGTAAAGGCCCTGTTTTATATAACCAAAGTAGCGAGCCTTGG-3'
Protein context (NP_056993.2, residues 491-511): QGLYLVTEME[Arg501Gln]FAPPRKRPRT

ClinVar aggregate classification (germline): Uncertain significance. Review status: criteria provided, multiple submitters, no conflicts (2 of 4 stars). 2 submissions from 2 submitters: Uncertain significance (2). Last evaluated 2024-12-28.

Conditions:
Inborn genetic diseases. Identifiers: MedGen C0950123, MeSH D030342.

Allele frequency attached by ClinVar (database versions not stated): gnomAD 0.00001; TOPMed 0.00001; ESP Exome Variant Server 0.00008.
gnomAD v4.1: 12 of 1,613,898 alleles (0.00074%); highest among the groups gnomAD compares: Non-Finnish European, 0.00093%; no homozygotes.

Submissions (2):

Ambry Genetics
Classification: Uncertain significance for Inborn genetic diseases. Last evaluated: 2024-12-28. Review status: criteria provided, single submitter. Criteria: Ambry Variant Classification Scheme 2023. Collection method: clinical testing. Allele origin: germline.

Labcorp Genetics (formerly Invitae), Labcorp
Classification: Uncertain significance. Last evaluated: 2023-08-04. Review status: criteria provided, single submitter. Criteria: Invitae Variant Classification Sherloc (09022015). Collection method: clinical testing. Allele origin: germline.
Comment: This sequence change replaces arginine, which is basic and polar, with glutamine, which is neutral and polar, at codon 501 of the NBAS protein (p.Arg501Gln). This variant is present in population databases (rs377037220, gnomAD 0.006%). This variant has not been reported in the literature in individuals affected with NBAS-related conditions. Advanced modeling of protein sequence and biophysical properties (such as structural, functional, and spatial information, amino acid conservation, physicochemical variation, residue mobility, and thermodynamic stability) performed at Invitae indicates that this missense variant is not expected to disrupt NBAS protein function. In summary, the available evidence is currently insufficient to determine the role of this variant in disease. Therefore, it has been classified as a Variant of Uncertain Significance.